The following continues an entry in ClinVar:

NM_002474.3(MYH11):c.739C>T (p.Arg247Cys)

Gene: MYH11. ClinVar aggregate classification (germline): Conflicting classifications of pathogenicity. Uncertain significance (4); Benign (1); Likely benign (15).

Submissions 15 to 24 of 24:

Illumina Laboratory Services, Illumina
Classification: Likely benign for Aortic aneurysm, familial thoracic 4. Last evaluated: 2018-03-23. Review status: criteria provided, single submitter. Criteria: ICSL Variant Classification Criteria 13 December 2019. Collection method: clinical testing. Allele origin: germline.
Comment: This variant was observed as part of a predisposition screen in an ostensibly healthy population. A literature search was performed for the gene, cDNA change, and amino acid change (where applicable). No publications were found based on this search. Allele frequency data from public databases allowed determination this variant is unlikely to cause disease. Therefore, this variant is classified as likely benign.

Center for Human Genetics, Inc
Classification: Uncertain significance for Connective tissue disorder. Last evaluated: 2016-11-01. Review status: criteria provided, single submitter. Criteria: ACMG Guidelines, 2015. Collection method: clinical testing. Allele origin: germline. Affected: yes.

Genome Diagnostics Laboratory, University Medical Center Utrecht
Classification: Likely benign for Aortic aneurysm, familial thoracic 4. Last evaluated: 2016-10-19. Review status: criteria provided, single submitter. Criteria: ACGS Guidelines, 2013. Collection method: clinical testing. Allele origin: germline. Affected: yes. Study: VKGL Data-share Consensus.

Laboratory for Molecular Medicine, Mass General Brigham Personalized Medicine
Classification: Likely benign. Last evaluated: 2016-03-31. Review status: criteria provided, single submitter. Criteria: LMM Criteria. Collection method: clinical testing. Allele origin: germline.
Comment: Variant identified in a genome or exome case(s) and assessed due to predicted null impact of the variant or pathogenic assertions in the literature or databases. Disclaimer: This variant has not undergone full assessment. The following are preliminary notes: ExAC: 0.3% European; ClinVar: 2 VUS, 1 LB

Clinical Genetics DNA and cytogenetics Diagnostics Lab, Erasmus MC, Erasmus Medical Center
Classification: Likely benign for Aortic aneurysm, familial thoracic 4. Last evaluated: 2015-07-22. Review status: criteria provided, single submitter. Criteria: ACGS Guidelines, 2013. Collection method: clinical testing. Allele origin: germline. Affected: yes. Study: VKGL Data-share Consensus.

Center for Genomics, Ann and Robert H. Lurie Children's Hospital of Chicago
Classification: Uncertain significance for Megacystis-microcolon-intestinal hypoperistalsis syndrome 2; Aortic aneurysm, familial thoracic 4; Visceral myopathy 2. Review status: criteria provided, single submitter. Criteria: ACMG Guidelines, 2015. Collection method: clinical testing. Allele origin: germline.
Comment: MYH11 NM_002474.2 exon 7 p.Arg247Cys (c.739C>T): This variant has been reported in the literature (also referred to as p.Arg254Cys) in at least one individual with abdominal aortic aneurysm, segregating with disease in one affected family member (Van de Luijtgaarden 2015 PMID:26017485). This variant is present in 0.3% (393/129162) of European alleles in the Genome Aggregation Database, including 2 homozygotes. This variant is also present in ClinVar, with several labs classifying this variant as likely benign (Variation ID:161317). Evolutionary conservation and computational predictive tools suggest that this variant may impact the protein. In addition, functional studies have shown a deleterious effect of this variant (Kuang 2012 PMID: 22511748; Bellini 2015 PMID: 25433566). However, these studies may not accurately represent in vivo biological function. In summary, data on this variant is insufficient for disease classification. Therefore, the clinical significance of this variant is uncertain.

PreventionGenetics, part of Exact Sciences
Classification: Likely benign for MYH11-related condition. Last evaluated: 2020-10-05. Review status: no assertion criteria provided. Collection method: clinical testing. Allele origin: germline. Not counted in ClinVar's aggregate classification.
Comment: This variant is classified as likely benign based on ACMG/AMP sequence variant interpretation guidelines (Richards et al. 2015 PMID: 25741868, with internal and published modifications).

CSER _CC_NCGL, University of Washington
Classification: Likely benign for Altered myosin contractile function. Last evaluated: 2014-06-01. Review status: no assertion criteria provided. Collection method: research. Allele origin: germline. Inheritance: Autosomal dominant inheritance. Study: ESP 6500 variant annotation. Not counted in ClinVar's aggregate classification.
Comment: Variants classified for the Actionable exomic incidental findings in 6503 participants: challenges of variant classification manuscript

Genome Diagnostics Laboratory, Amsterdam University Medical Center
Classification: Likely benign for Aortic aneurysm, familial thoracic 4. Last evaluated: 2014-02-04. Review status: no assertion criteria provided. Criteria: ACGS Guidelines, 2013. Collection method: clinical testing. Allele origin: germline. Affected: yes. Study: VKGL Data-share Consensus. Not counted in ClinVar's aggregate classification.

Laboratory of Diagnostic Genome Analysis, Leiden University Medical Center (LUMC)
Classification: Likely benign. Review status: no assertion criteria provided. Collection method: clinical testing. Allele origin: germline. Affected: yes. Study: VKGL Data-share Consensus. Not counted in ClinVar's aggregate classification.

Literature cited by the submitters: PubMed 22511748 (cited by Ambry Genetics and Women's Health and Genetics/Laboratory Corporation of America, LabCorp); PubMed 25433566 (cited by Ambry Genetics and Women's Health and Genetics/Laboratory Corporation of America, LabCorp); PubMed 26017485 (cited by Ambry Genetics and Women's Health and Genetics/Laboratory Corporation of America, LabCorp); PubMed 26332594 (cited by Ambry Genetics); PubMed 29961567 (cited by Ambry Genetics and Women's Health and Genetics/Laboratory Corporation of America, LabCorp); PubMed 27879251 (cited by Women's Health and Genetics/Laboratory Corporation of America, LabCorp); PubMed 29494672 (cited by Women's Health and Genetics/Laboratory Corporation of America, LabCorp).